The following is an entry in ClinVar:

ClinVar aggregate classification (germline): Likely pathogenic (1 of 4 stars; one submission).

Submission:

Labcorp Genetics (formerly Invitae), Labcorp
Classification: Likely pathogenic. Last evaluated: 2022-12-25. Review status: criteria provided, single submitter. Criteria: Invitae Variant Classification Sherloc (09022015). Collection method: clinical testing. Allele origin: germline.
Comment: In summary, the currently available evidence indicates that the variant is pathogenic, but additional data are needed to prove that conclusively. Therefore, this variant has been classified as Likely Pathogenic. Algorithms developed to predict the effect of sequence changes on RNA splicing suggest that this variant may disrupt the consensus splice site. This variant has not been reported in the literature in individuals affected with LRP2-related conditions. This variant is not present in population databases (gnomAD no frequency). This sequence change affects a donor splice site in intron 4 of the LRP2 gene. It is expected to disrupt RNA splicing. Variants that disrupt the donor or acceptor splice site typically lead to a loss of protein function (PMID: 16199547), and loss-of-function variants in LRP2 are known to be pathogenic (PMID: 17632512, 25682901).

Literature cited by the submitters: PubMed 16199547; PubMed 17632512; PubMed 25682901.

NM_004525.3(LRP2):c.427+1G>A

Gene: LRP2 (LDL receptor related protein 2; minus strand). Cytogenetic location: 2q31.1.
Variant type: single nucleotide variant.
Coding change: c.427+1G>A on transcript NM_004525.3 (MANE Select); the canonical splice donor site of the intron after coding-DNA position 427, G replaced by A.
Molecular consequence: splice donor variant.
Genome position (GRCh38, 1-based): chr2:169,307,280, C>T on the plus strand (G>A on the coding strand, the complement: LRP2 is on the minus strand). VCF-style: chr2-169307280-C-T. GRCh37 (hg19) VCF-style: chr2-170163790-C-T.
Identifiers: ClinVar variation 2716388 (VCV002716388.4), dbSNP rs2528617066, ClinGen allele CA349168197.